The following is an entry in ClinVar:

ClinVar aggregate classification (germline): Likely pathogenic (1 of 4 stars; one submission).

Submission:

ARUP Laboratories, Molecular Genetics and Genomics, ARUP Laboratories
Classification: Likely pathogenic. Last evaluated: 2025-04-17. Review status: criteria provided, single submitter. Criteria: ARUP Molecular Germline Variant Investigation Process 2024. Collection method: clinical testing. Allele origin: germline.
Comment: The SPTA1 c.5027_5028delinsA; p.Ser1676LysfsTer10 variant, to our knowledge, is not reported in the medical literature or gene specific databases. This variant is also absent from the Genome Aggregation Database (v2.1.1), indicating it is not a common polymorphism. This variant causes a frameshift by replacing 2 nucleotides with one nucleotide, thus predicted to result in a truncated protein or mRNA subject to nonsense-mediated decay. Based on available information, this variant is considered to be likely pathogenic.

NM_003126.4(SPTA1):c.5027_5028delinsA (p.Ser1676fs)

Gene: SPTA1 (spectrin alpha, erythrocytic 1; minus strand). Cytogenetic location: 1q23.1.
Variant type: Indel.
Coding change: c.5027_5028delinsA on transcript NM_003126.4 (MANE Select); coding-DNA positions 5027 to 5028, GC replaced by A.
Protein change: p.Ser1676fs; shifts the reading frame from serine 1676.
Molecular consequence: frameshift variant.
Genome position (GRCh38, 1-based): chr1:158,638,194-158,638,195, GC replaced by T on the plus strand (GC replaced by A on the coding strand, the reverse complement: SPTA1 is on the minus strand). VCF-style: chr1-158638194-GC-T. GRCh37 (hg19) VCF-style: chr1-158607984-GC-T.
Other names: short protein forms S1676fs.
Identifiers: ClinVar variation 4685760 (VCV004685760.1).